The following is an entry in ClinVar:

NM_001129.5(AEBP1):c.1279G>T (p.Asp427Tyr)

Gene: AEBP1 (AE binding protein 1; plus strand). Cytogenetic location: 7p13.
Variant type: single nucleotide variant.
Coding change: c.1279G>T on transcript NM_001129.5 (MANE Select); coding-DNA position 1279, G replaced by T.
Protein change: p.Asp427Tyr; replaces aspartic acid 427 with tyrosine.
Molecular consequence: missense variant.
Genome position (GRCh38, 1-based): chr7:44,110,225, G>T. VCF-style: chr7-44110225-G-T. GRCh37 (hg19) VCF-style: chr7-44149824-G-T.
Other names: short protein forms D427Y.
Identifiers: ClinVar variation 1901115 (VCV001901115.2), dbSNP rs373830686, ClinGen allele CA4237843.
Genomic context (GRCh38, chr7:44,110,225, plus strand): 5'-GACTCCTCCGCCCATGCTCAGCCTCCCCTGCCCCCTGGACAGACCGGTGCCACTGAGGAC[G>T]ACTACTATGATGGTGCGTGGTGTGCCGAGGACGATGCCAGGACCCAGTGGATAGAGGTGG-3'
Protein context (NP_001120.3, residues 417-437): LNMQTGATED[Asp427Tyr]YYDGAWCAED

ClinVar aggregate classification (germline): Uncertain significance (1 of 4 stars; one submission).

Allele frequency attached by ClinVar (database versions not stated): ESP Exome Variant Server 0.00015; 1000 Genomes Project 0.00020; 1000 Genomes Project 30x 0.00031.

Submission:

Labcorp Genetics (formerly Invitae), Labcorp
Classification: Uncertain significance. Last evaluated: 2022-04-30. Review status: criteria provided, single submitter. Criteria: Invitae Variant Classification Sherloc (09022015). Collection method: clinical testing. Allele origin: germline.
Comment: This sequence change replaces aspartic acid, which is acidic and polar, with tyrosine, which is neutral and polar, at codon 427 of the AEBP1 protein (p.Asp427Tyr). This variant is present in population databases (rs373830686, gnomAD 0.05%). This variant has not been reported in the literature in individuals affected with AEBP1-related conditions. Algorithms developed to predict the effect of missense changes on protein structure and function are either unavailable or do not agree on the potential impact of this missense change (SIFT: "Deleterious"; PolyPhen-2: "Possibly Damaging"; Align-GVGD: "Class C0"). In summary, the available evidence is currently insufficient to determine the role of this variant in disease. Therefore, it has been classified as a Variant of Uncertain Significance.